The following is an entry in ClinVar:

NM_001768.7(CD8A):c.29T>G (p.Leu10Arg)

Gene: CD8A (CD8 subunit alpha; minus strand). Cytogenetic location: 2p11.2.
Variant type: single nucleotide variant.
Coding change: c.29T>G on transcript NM_001768.7 (MANE Select); coding-DNA position 29, T replaced by G.
Protein change: p.Leu10Arg; replaces leucine 10 with arginine.
Molecular consequence: missense variant. On other transcripts: non-coding transcript variant (3).
Genome position (GRCh38, 1-based): chr2:86,790,797, A>C on the plus strand (T>G on the coding strand, the complement: CD8A is on the minus strand). VCF-style: chr2-86790797-A-C. GRCh37 (hg19) VCF-style: chr2-87017920-A-C.
Other names: c.29T>G, p.Leu10Arg (NM_001145873.1, NM_001382698.1, NM_171827.4); short protein forms L10R.
Identifiers: ClinVar variation 1438363 (VCV001438363.9), dbSNP rs1275959844, ClinGen allele CA347577468.

ClinVar aggregate classification (germline): Uncertain significance. Review status: criteria provided, multiple submitters, no conflicts (2 of 4 stars). 2 submissions from 2 submitters: Uncertain significance (2). Last evaluated 2023-02-06.

Conditions:
Susceptibility to respiratory infections associated with CD8alpha chain mutation (IMD116). Also called: IMMUNODEFICIENCY 116; Cd8 deficiency, familial. Identifiers: Orphanet 169085, MedGen C1837065, MONDO:0012161, OMIM 608957.

Allele frequency attached by ClinVar (database versions not stated): gnomAD 0.00001; gnomAD exomes 0.00001 and 0.00002.

Submissions (2):

Blueprint Genetics
Classification: Uncertain significance. Last evaluated: 2023-02-06. Review status: criteria provided, single submitter. Criteria: ACMG Guidelines, 2015. Collection method: clinical testing. Allele origin: germline.

Labcorp Genetics (formerly Invitae), Labcorp
Classification: Uncertain significance for Susceptibility to respiratory infections associated with CD8alpha chain mutation. Last evaluated: 2021-01-29. Review status: criteria provided, single submitter. Criteria: Invitae Variant Classification Sherloc (09022015). Collection method: clinical testing. Allele origin: germline.
Comment: This sequence change replaces leucine with arginine at codon 10 of the CD8A protein (p.Leu10Arg). The leucine residue is moderately conserved and there is a moderate physicochemical difference between leucine and arginine. The frequency data for this variant in the population databases is considered unreliable, as metrics indicate insufficient coverage at this position in the ExAC database. This variant has not been reported in the literature in individuals with CD8A-related conditions. Algorithms developed to predict the effect of missense changes on protein structure and function are either unavailable or do not agree on the potential impact of this missense change (SIFT: "Tolerated"; PolyPhen-2: "Not Available"; Align-GVGD: "Class C0"). In summary, the available evidence is currently insufficient to determine the role of this variant in disease. Therefore, it has been classified as a Variant of Uncertain Significance.